The following is an entry in ClinVar:

ClinVar aggregate classification (germline): Likely benign. Review status: criteria provided, multiple submitters, no conflicts (2 of 4 stars). 2 submissions from 2 submitters: Likely benign (2). Last evaluated 2024-10-21.

Conditions:
Familial thoracic aortic aneurysm and aortic dissection (TAAD). Also called: Thoracic aortic aneurysms and dissections. Identifiers: Orphanet 91387, MedGen C4707243, MONDO:0019625.

Allele frequency attached by ClinVar (database versions not stated): gnomAD exomes below 0.00001.
gnomAD v4.1: 7 of 1,614,174 alleles (0.00043%); highest among the groups gnomAD compares: Non-Finnish European, 0.00059%; no homozygotes.

Submissions (2):

Ambry Genetics
Classification: Likely benign for Familial thoracic aortic aneurysm and aortic dissection. Last evaluated: 2024-10-21. Review status: criteria provided, single submitter. Criteria: Ambry Variant Classification Scheme 2023. Collection method: clinical testing. Allele origin: germline.

ARUP Laboratories, Molecular Genetics and Genomics, ARUP Laboratories
Classification: Likely benign. Last evaluated: 2018-05-08. Review status: criteria provided, single submitter. Criteria: ARUP Molecular Germline Variant Investigation Process. Collection method: clinical testing. Allele origin: germline.
Comment: The MYH11 c.4206G>A; p.Glu1402Glu variant, to our knowledge, is not reported in the medical literature or in gene-specific databases, and is absent from general population databases (1000 Genomes Project, Exome Variant Server, and Genome Aggregation Database). This is a synonymous variant at a weakly conserved nucleotide and computational algorithms (Alamut v.2.11) predict no impact on splicing. Based on available information, this variant is considered likely benign.

NM_002474.3(MYH11):c.4206G>A (p.Glu1402=)

Genes: NDE1 (nudE neurodevelopment protein 1; plus strand), MYH11 (myosin heavy chain 11; minus strand). Cytogenetic location: 16p13.11.
Variant type: single nucleotide variant.
Coding change: c.4206G>A on transcript NM_002474.3 (MANE Select); coding-DNA position 4206, G replaced by A.
Protein change: p.Glu1402=; no amino-acid change (glutamic acid 1402 retained).
Molecular consequence: synonymous variant. On other transcripts: 3 prime UTR variant (2).
Genome position (GRCh38, 1-based): chr16:15,724,320, C>T on the plus strand (G>A on the coding strand, the complement: MYH11 is on the minus strand). VCF-style: chr16-15724320-C-T. GRCh37 (hg19) VCF-style: chr16-15818177-C-T.
Other names: c.4227G>A, p.Glu1409= (NM_001040113.2, NM_001040114.2); c.4206G>A, p.Glu1402= (NM_022844.3); c.*69C>T (NM_001143979.2, NM_017668.3).
Identifiers: ClinVar variation 618233 (VCV000618233.9), dbSNP rs1567699651, ClinGen allele CA494088055.